The following is an entry in ClinVar:

ClinVar aggregate classification (germline): Uncertain significance (1 of 4 stars; one submission).

Conditions:
Nephrolithiasis/nephrocalcinosis. Identifiers: MedGen CN580796.

Submission:

Ambry Genetics
Classification: Uncertain significance for Nephrolithiasis/nephrocalcinosis. Last evaluated: 2023-04-09. Review status: criteria provided, single submitter. Criteria: Ambry Variant Classification Scheme 2023. Collection method: clinical testing. Allele origin: germline.
Comment: The p.K177R variant (also known as c.530A>G), located in coding exon 3 of the CASR gene, results from an A to G substitution at nucleotide position 530. The lysine at codon 177 is replaced by arginine, an amino acid with highly similar properties. This amino acid position is conserved. In addition, the in silico prediction for this alteration is inconclusive. Since supporting evidence is limited at this time, the clinical significance of this alteration remains unclear.

NM_000388.4(CASR):c.530A>G (p.Lys177Arg)

Gene: CASR (calcium sensing receptor; plus strand). Cytogenetic location: 3q21.1.
Variant type: single nucleotide variant.
Coding change: c.530A>G on transcript NM_000388.4 (MANE Select); coding-DNA position 530, A replaced by G.
Protein change: p.Lys177Arg; replaces lysine 177 with arginine.
Molecular consequence: missense variant.
Genome position (GRCh38, 1-based): chr3:122,261,565, A>G. VCF-style: chr3-122261565-A-G. GRCh37 (hg19) VCF-style: chr3-121980412-A-G.
Other names: c.530A>G, p.Lys177Arg (NM_001178065.2); short protein forms K177R.
Identifiers: ClinVar variation 3231579 (VCV003231579.1), dbSNP rs2473225166, ClinGen allele CA354150784.